The following is an entry in ClinVar:

NM_001172509.2(SATB2):c.306G>A (p.Leu102=)

Gene: SATB2 (SATB homeobox 2; minus strand). Cytogenetic location: 2q33.1.
Variant type: single nucleotide variant.
Coding change: c.306G>A on transcript NM_001172509.2 (MANE Select); coding-DNA position 306, G replaced by A.
Protein change: p.Leu102=; no amino-acid change (leucine 102 retained).
Molecular consequence: synonymous variant. On other transcripts: non-coding transcript variant (1).
Genome position (GRCh38, 1-based): chr2:199,433,378, C>T on the plus strand (G>A on the coding strand, the complement: SATB2 is on the minus strand). VCF-style: chr2-199433378-C-T. GRCh37 (hg19) VCF-style: chr2-200298101-C-T.
Other names: c.306G>A, p.Leu102= (NM_001172517.1, NM_015265.4).
Identifiers: ClinVar variation 537277 (VCV000537277.21), dbSNP rs201405384, ClinGen allele CA2046118.

ClinVar aggregate classification (germline): Benign/Likely benign. Review status: criteria provided, multiple submitters, no conflicts (2 of 4 stars). 4 submissions from 4 submitters: Benign (2); Likely benign (2). Last evaluated 2026-02-03.

Conditions:
Chromosome 2q32-q33 deletion syndrome (GLASS). Also called: Glass syndrome; 2q33.1 deletion syndrome. Identifiers: Orphanet 251019, MedGen C2676739, MONDO:0012864, OMIM 612313.
Inborn genetic diseases. Identifiers: MedGen C0950123, MeSH D030342.

Allele frequency attached by ClinVar (database versions not stated): gnomAD 0.00008; TOPMed 0.00011; 1000 Genomes Project 0.00020; ExAC 0.00023; gnomAD exomes 0.00029; 1000 Genomes Project 30x 0.00031.
gnomAD v4.1: 94 of 1,614,140 alleles (0.0058%); highest among the groups gnomAD compares: Admixed American, 0.15%; no homozygotes.

Submissions (4):

Labcorp Genetics (formerly Invitae), Labcorp
Classification: Benign for Chromosome 2q32-q33 deletion syndrome. Last evaluated: 2026-02-03. Review status: criteria provided, single submitter. Criteria: Invitae Variant Classification Sherloc (09022015). Collection method: clinical testing. Allele origin: germline.

CeGaT Center for Human Genetics Tuebingen
Classification: Likely benign. Last evaluated: 2025-11-01. Review status: criteria provided, single submitter. Criteria: CeGaT Center For Human Genetics Tuebingen Variant Classification Criteria Version 2. Collection method: clinical testing. Allele origin: germline. Affected: yes. Observed: 1 variant allele.
Comment: SATB2: BP4, BS1

Ambry Genetics
Classification: Likely benign for Inborn genetic diseases. Last evaluated: 2020-01-14. Review status: criteria provided, single submitter. Criteria: Ambry Variant Classification Scheme 2023. Collection method: clinical testing. Allele origin: germline.

GeneDx
Classification: Benign. Last evaluated: 2019-09-26. Review status: criteria provided, single submitter. Criteria: GeneDx Variant Classification Process June 2021. Collection method: clinical testing. Allele origin: germline. Affected: yes.